The following is an entry in ClinVar:

ClinVar aggregate classification (germline): Uncertain significance (0 of 4 stars; one submission).

Conditions:
SEMA3B-related disorder. Also called: SEMA3B-related condition.

Submission:

PreventionGenetics, part of Exact Sciences
Classification: Uncertain significance for SEMA3B-related condition. Last evaluated: 2024-05-03. Review status: no assertion criteria provided. Collection method: clinical testing. Allele origin: germline.
Comment: The SEMA3B c.1875G>C variant is predicted to result in the amino acid substitution p.Glu625Asp. To our knowledge, this variant has not been reported in the literature. This variant is reported in 0.0065% of alleles in individuals of European (Non-Finnish) descent in gnomAD. At this time, the clinical significance of this variant is uncertain due to the absence of conclusive functional and genetic evidence.

NM_001290060.2(SEMA3B):c.1860G>C (p.Glu620Asp)

Gene: SEMA3B (semaphorin 3B; plus strand). Cytogenetic location: 3p21.31.
Variant type: single nucleotide variant.
Coding change: c.1860G>C on transcript NM_001290060.2 (MANE Select); coding-DNA position 1860, G replaced by C.
Protein change: p.Glu620Asp; replaces glutamic acid 620 with aspartic acid.
Molecular consequence: missense variant. On other transcripts: non-coding transcript variant (1).
Genome position (GRCh38, 1-based): chr3:50,276,316, G>C. VCF-style: chr3-50276316-G-C. GRCh37 (hg19) VCF-style: chr3-50313747-G-C.
Other names: c.1857G>C, p.Glu619Asp (NM_001005914.3); c.1875G>C, p.Glu625Asp (NM_001290061.1); c.831G>C, p.Glu277Asp (NM_001290062.2, NM_001290063.2); c.1860G>C, p.Glu620Asp (NM_004636.4); short protein forms E277D, E619D, E620D, E625D.
Identifiers: ClinVar variation 3354261 (VCV003354261.1).